The following is an entry in ClinVar:

ClinVar aggregate classification (germline): Uncertain significance. Review status: criteria provided, multiple submitters, no conflicts (2 of 4 stars). 2 submissions from 2 submitters: Uncertain significance (2). Last evaluated 2026-08-06.

Conditions:
Intellectual developmental disorder, autosomal dominant 73 (MRD73). Also called: TAF4-RELATED NDD; TAF4-RELATED NEURODEVELOPMENTAL DISORDER. Identifiers: MedGen C5830636, MONDO:0957536, OMIM 620450.
Inborn genetic diseases. Identifiers: MedGen C0950123, MeSH D030342.

gnomAD v4.1: 4 of 1,242,342 alleles (0.00032%); highest among the groups gnomAD compares: Non-Finnish European, 0.0004%; no homozygotes.

Submissions (2):

OLLIN Analises Genomicas, OLLIN
Classification: Uncertain significance for Intellectual developmental disorder, autosomal dominant 73. Last evaluated: 2026-08-06. Review status: criteria provided, single submitter. Criteria: ACMG Guidelines 2015 PMID 25741868. Collection method: clinical testing. Allele origin: germline.
Comment: This missense variant, located in exon 1 (of 15), has been reported in ClinVar (accession VCV004179655.1) and in gnomAD with an allele frequency of 0.00032%. However, to our knowledge, it has not been reported in the scientific literature. In silico analysis predicts that this variant has a tolerated effect. According to the currently available evidence, this variant has been classified as uncertain significance (BP4_M).

Ambry Genetics
Classification: Uncertain significance for Inborn genetic diseases. Last evaluated: 2025-08-28. Review status: criteria provided, single submitter. Criteria: Ambry Variant Classification Scheme 2023. Collection method: clinical testing. Allele origin: germline.

NM_003185.4(TAF4):c.1109C>G (p.Ala370Gly)

Gene: TAF4 (TATA-box binding protein associated factor 4; minus strand). Cytogenetic location: 20q13.33.
Variant type: single nucleotide variant.
Coding change: c.1109C>G on transcript NM_003185.4 (MANE Select); coding-DNA position 1109, C replaced by G.
Protein change: p.Ala370Gly; replaces alanine 370 with glycine.
Molecular consequence: missense variant.
Genome position (GRCh38, 1-based): chr20:62,064,702, G>C on the plus strand (C>G on the coding strand, the complement: TAF4 is on the minus strand). VCF-style: chr20-62064702-G-C. GRCh37 (hg19) VCF-style: chr20-60639758-G-C.
Other names: short protein forms A370G.
Identifiers: ClinVar variation 4179655 (VCV004179655.2).
Genomic context (GRCh38, chr20:62,064,702, plus strand): 5'-GGGACGGCGGCCGGGCTGGGCAGCGCCCCTTGCATAGTTGGCCCGATGACCATGCTGGCC[G>C]CCGTGCTGGCCGGGCCGCTGGCCGCCAGGGTCTGCGCCGCCGGGGGCGCCGCCTGCACCA-3'
Protein context (NP_003176.2, residues 360-380): TLAASGPAST[Ala370Gly]ASMVIGPTMQ